The following is an entry in ClinVar:

NM_015409.5(EP400):c.123C>T (p.Pro41=)

Gene: EP400 (E1A binding protein p400; plus strand). Cytogenetic location: 12q24.33.
Variant type: single nucleotide variant.
Coding change: c.123C>T on transcript NM_015409.5 (MANE Select); coding-DNA position 123, C replaced by T.
Protein change: p.Pro41=; no amino-acid change (proline 41 retained).
Molecular consequence: synonymous variant.
Genome position (GRCh38, 1-based): chr12:131,960,742, C>T. VCF-style: chr12-131960742-C-T. GRCh37 (hg19) VCF-style: chr12-132445287-C-T.
Identifiers: ClinVar variation 3046461 (VCV003046461.2), dbSNP rs1013165044, ClinGen allele CA246165425.

ClinVar aggregate classification (germline): Likely benign (0 of 4 stars; one submission).

Conditions:
EP400-related disorder. Also called: EP400-related condition.

gnomAD v4.1: 4 of 1,611,102 alleles (0.00025%); highest among the groups gnomAD compares: Non-Finnish European, 0.00034%; no homozygotes.

Submission:

PreventionGenetics, part of Exact Sciences
Classification: Likely benign for EP400-related condition. Last evaluated: 2023-08-25. Review status: no assertion criteria provided. Collection method: clinical testing. Allele origin: germline.
Comment: This variant is classified as likely benign based on ACMG/AMP sequence variant interpretation guidelines (Richards et al. 2015 PMID: 25741868, with internal and published modifications).